The following is an entry in ClinVar:

NM_003900.5(SQSTM1):c.1159C>T (p.Pro387Ser)

Gene: SQSTM1 (sequestosome 1; plus strand). Cytogenetic location: 5q35.3.
Variant type: single nucleotide variant.
Coding change: c.1159C>T on transcript NM_003900.5 (MANE Select); coding-DNA position 1159, C replaced by T.
Protein change: p.Pro387Ser; replaces proline 387 with serine.
Molecular consequence: missense variant.
Genome position (GRCh38, 1-based): chr5:179,833,776, C>T. VCF-style: chr5-179833776-C-T. GRCh37 (hg19) VCF-style: chr5-179260776-C-T.
Other names: c.907C>T, p.Pro303Ser (NM_001142298.2, NM_001142299.2); short protein forms P387S, P303S.
Identifiers: ClinVar variation 4792689 (VCV004792689.1).

ClinVar aggregate classification (germline): Uncertain significance (1 of 4 stars; one submission).

Conditions:
Frontotemporal dementia and/or amyotrophic lateral sclerosis 1 (FTDALS1). Also called: C9orf72 Frontotemporal Dementia and/or Amyotrophic Lateral Sclerosis; Frontotemporal dementia with motor neuron disease 1. Identifiers: Orphanet 275872, MedGen C5779877, MONDO:0007105, OMIM 105550.
Paget disease of bone 2, early-onset (PDB2). Also called: Paget disease of bone 2. Identifiers: MedGen C4085251, MONDO:0011183, OMIM 602080.

Submission:

Labcorp Genetics (formerly Invitae), Labcorp
Classification: Uncertain significance for Paget disease of bone 2, early-onset; Frontotemporal dementia and/or amyotrophic lateral sclerosis 1. Last evaluated: 2025-08-20. Review status: criteria provided, single submitter. Criteria: Invitae Variant Classification Sherloc (09022015). Collection method: clinical testing. Allele origin: germline.
Comment: This sequence change replaces proline, which is neutral and non-polar, with serine, which is neutral and polar, at codon 387 of the SQSTM1 protein (p.Pro387Ser). This variant is not present in population databases (gnomAD no frequency). This variant has not been reported in the literature in individuals affected with SQSTM1-related conditions. Invitae Evidence Modeling of protein sequence and biophysical properties (such as structural, functional, and spatial information, amino acid conservation, physicochemical variation, residue mobility, and thermodynamic stability) indicates that this missense variant is not expected to disrupt SQSTM1 protein function with a negative predictive value of 80%. In summary, the available evidence is currently insufficient to determine the role of this variant in disease. Therefore, it has been classified as a Variant of Uncertain Significance.